The following is an entry in ClinVar:

NM_174936.4(PCSK9):c.1427G>A (p.Arg476His)

Gene: PCSK9 (proprotein convertase subtilisin/kexin type 9; plus strand). Cytogenetic location: 1p32.3.
Variant type: single nucleotide variant.
Coding change: c.1427G>A on transcript NM_174936.4 (MANE Select); coding-DNA position 1427, G replaced by A.
Protein change: p.Arg476His; replaces arginine 476 with histidine.
Molecular consequence: missense variant.
Genome position (GRCh38, 1-based): chr1:55,058,571, G>A. VCF-style: chr1-55058571-G-A. GRCh37 (hg19) VCF-style: chr1-55524244-G-A.
Other names: c.1550G>A, p.Arg517His (NM_001407240.1); c.1427G>A, p.Arg476His (NM_001407241.1); c.1430G>A, p.Arg477His (NM_001407242.1); c.1370G>A, p.Arg457His (NM_001407243.1); c.1253G>A, p.Arg418His (NM_001407244.1); c.1235G>A, p.Arg412His (NM_001407245.1); c.1052G>A, p.Arg351His (NM_001407246.1); short protein forms R476H, R351H, R412H, R457H, R517H, R477H, R418H.
Identifiers: ClinVar variation 630162 (VCV000630162.5), dbSNP rs376388695, ClinGen allele CA036969.
Genomic context (GRCh38, chr1:55,058,571, plus strand): 5'-TTTGCAGGACTGTATGGTCAGCACACTCGGGGCCTACACGGATGGCCACAGCCGTCGCCC[G>A]CTGCGCCCCAGATGAGGAGCTGCTGAGCTGCTCCAGTTTCTCCAGGAGTGGGAAGCGGCG-3'
Protein context (NP_777596.2, residues 466-486): GPTRMATAVA[Arg476His]CAPDEELLSC

ClinVar aggregate classification (germline): Likely benign. Review status: criteria provided, multiple submitters, no conflicts (2 of 4 stars). 2 submissions from 2 submitters: Likely benign (2). Last evaluated 2024-09-05.

Conditions:
Hypercholesterolemia, autosomal dominant, 3 (FHCL3). Also called: Familial Hypercholesterolemia, Autosomal Dominant, 3; PCSK9-Related Familial Hypercholesterolemia, Autosomal Dominant; Familial hypercholesterolemia 3. Identifiers: MedGen C1863551, MONDO:0011369, OMIM 603776.
Familial hypercholesterolemia. Also called: Familial hypercholesterolemias; Familial hypercholesterolaemia. Identifiers: MedGen C0020445, MONDO:0005439.

Allele frequency attached by ClinVar (database versions not stated): TOPMed below 0.00001; gnomAD 0.00001; ExAC 0.00002; gnomAD exomes 0.00002; ESP Exome Variant Server 0.00008.
gnomAD v4.1: 6 of 1,611,968 alleles (0.00037%); highest among the groups gnomAD compares: Middle Eastern, 0.022%; no homozygotes.

Submissions (2):

Color Diagnostics, LLC DBA Color Health
Classification: Likely benign for Familial hypercholesterolemia. Last evaluated: 2024-09-05. Review status: criteria provided, single submitter. Criteria: ACMG Guidelines, 2015. Collection method: clinical testing. Allele origin: germline.

All of Us Research Program, National Institutes of Health
Classification: Likely benign for Hypercholesterolemia, autosomal dominant, 3. Last evaluated: 2023-12-13. Review status: criteria provided, single submitter. Criteria: ACMG Guidelines, 2015. Collection method: clinical testing. Allele origin: germline. Inheritance: Autosomal dominant inheritance. Observed: 1 variant allele, 1 heterozygote.
Comment: This study involves interpretation of variants in research participants for the purpose of population health screening. Participant phenotype was not available at the time of variant classification. Additional details can be found in publication PMID: 35346344, PMCID: PMC8962531